The following is an entry in ClinVar:

NM_001148.6(ANK2):c.2068A>G (p.Met690Val)

Gene: ANK2 (ankyrin 2; plus strand). Cytogenetic location: 4q26.
Variant type: single nucleotide variant.
Coding change: c.2068A>G on transcript NM_001148.6 (MANE Select); coding-DNA position 2068, A replaced by G.
Protein change: p.Met690Val; replaces methionine 690 with valine.
Molecular consequence: missense variant.
Genome position (GRCh38, 1-based): chr4:113,282,861, A>G. VCF-style: chr4-113282861-A-G. GRCh37 (hg19) VCF-style: chr4-114204017-A-G.
Other names: c.2068A>G, p.Met690Val (NM_001354258.2, NM_001354265.2, NM_020977.5 and 6 more transcripts); c.1882A>G, p.Met628Val (NM_001354260.2, NM_001354271.2, NM_001386151.1); c.2026A>G, p.Met676Val (NM_001354261.2, NM_001386147.1, NM_001386160.1); c.2005A>G, p.Met669Val (NM_001354262.2, NM_001354272.2, NM_001354275.2 and 10 more transcripts); c.1981A>G, p.Met661Val (NM_001354264.2, NM_001354266.2, NM_001354267.2 and 10 more transcripts); c.1969A>G, p.Met657Val (NM_001354268.2, NM_001354245.2); c.1858A>G, p.Met620Val (NM_001354269.3); c.1906A>G, p.Met636Val (NM_001354270.2, NM_001386156.1, NM_001354253.2 and 1 more transcripts); and 8 more; short protein forms M562V, M628V, M661V, M699V, M705V, M707V, M657V, M669V.
Identifiers: ClinVar variation 1785315 (VCV001785315.2), dbSNP rs143336535, ClinGen allele CA103788846.

ClinVar aggregate classification (germline): Uncertain significance (1 of 4 stars; one submission).

Conditions:
Cardiovascular phenotype. Identifiers: MedGen CN230736.

Allele frequency attached by ClinVar (database versions not stated): gnomAD 0.00001; gnomAD exomes 0.00005; ESP Exome Variant Server 0.00008.
gnomAD v4.1: 70 of 1,613,840 alleles (0.0043%); highest among the groups gnomAD compares: Non-Finnish European, 0.0058%; no homozygotes.

Submission:

Ambry Genetics
Classification: Uncertain significance for Cardiovascular phenotype. Last evaluated: 2019-03-26. Review status: criteria provided, single submitter. Criteria: Ambry Variant Classification Scheme 2023. Collection method: clinical testing. Allele origin: germline.
Comment: The p.M690V variant (also known as c.2068A>G), located in coding exon 18 of the ANK2 gene, results from an A to G substitution at nucleotide position 2068. The methionine at codon 690 is replaced by valine, an amino acid with highly similar properties. This amino acid position is poorly conserved in available vertebrate species, and valine is the reference amino acid in other vertebrate species. In addition, this alteration is predicted to be tolerated by in silico analysis. Since supporting evidence is limited at this time, the clinical significance of this alteration remains unclear.